The following is an entry in ClinVar:

NM_004104.5(FASN):c.5566-19G>A

Gene: FASN (fatty acid synthase; minus strand). Cytogenetic location: 17q25.3.
Variant type: single nucleotide variant.
Coding change: c.5566-19G>A on transcript NM_004104.5 (MANE Select); 19 bases into the intron before coding-DNA position 5566, G replaced by A.
Molecular consequence: intron variant.
Genome position (GRCh38, 1-based): chr17:82,083,134, C>T on the plus strand (G>A on the coding strand, the complement: FASN is on the minus strand). VCF-style: chr17-82083134-C-T. GRCh37 (hg19) VCF-style: chr17-80041010-C-T.
Identifiers: ClinVar variation 2874447 (VCV002874447.3), dbSNP rs1233294838, ClinGen allele CA628026777.

ClinVar aggregate classification (germline): Uncertain significance (1 of 4 stars; one submission).

Conditions:
Epileptic encephalopathy. Identifiers: MedGen C0543888, HP:0200134.

Allele frequency attached by ClinVar (database versions not stated): gnomAD 0.00001; TOPMed 0.00001.

Submission:

Labcorp Genetics (formerly Invitae), Labcorp
Classification: Uncertain significance for Epileptic encephalopathy. Last evaluated: 2025-01-01. Review status: criteria provided, single submitter. Criteria: Invitae Variant Classification Sherloc (09022015). Collection method: clinical testing. Allele origin: germline.
Comment: This sequence change falls in intron 32 of the FASN gene. It does not directly change the encoded amino acid sequence of the FASN protein. This variant is present in population databases (no rsID available, gnomAD 0.01%). This variant has not been reported in the literature in individuals affected with FASN-related conditions. ClinVar contains an entry for this variant (Variation ID: 2874447). Algorithms developed to predict the effect of sequence changes on RNA splicing suggest that this variant may disrupt the consensus splice site. In summary, the available evidence is currently insufficient to determine the role of this variant in disease. Therefore, it has been classified as a Variant of Uncertain Significance.